The following is an entry in ClinVar:

ClinVar aggregate classification (germline): Uncertain significance (1 of 4 stars; one submission).

gnomAD v4.1: 1 of 1,613,882 alleles (0.000062%); highest among the groups gnomAD compares: Non-Finnish European, 0.000085%; no homozygotes.

Submission:

Labcorp Genetics (formerly Invitae), Labcorp
Classification: Uncertain significance. Last evaluated: 2022-03-18. Review status: criteria provided, single submitter. Criteria: Invitae Variant Classification Sherloc (09022015). Collection method: clinical testing. Allele origin: germline.
Comment: This sequence change replaces arginine, which is basic and polar, with proline, which is neutral and non-polar, at codon 1808 of the ALPK3 protein (p.Arg1808Pro). In summary, the available evidence is currently insufficient to determine the role of this variant in disease. Therefore, it has been classified as a Variant of Uncertain Significance. Algorithms developed to predict the effect of missense changes on protein structure and function are either unavailable or do not agree on the potential impact of this missense change (SIFT: "Tolerated"; PolyPhen-2: "Possibly Damaging"; Align-GVGD: "Class C0"). This variant has not been reported in the literature in individuals affected with ALPK3-related conditions. This variant is not present in population databases (gnomAD no frequency).

NM_020778.5(ALPK3):c.4817G>C (p.Arg1606Pro)

Gene: ALPK3 (alpha kinase 3; plus strand). Cytogenetic location: 15q25.3.
Variant type: single nucleotide variant.
Coding change: c.4817G>C on transcript NM_020778.5 (MANE Select); coding-DNA position 4817, G replaced by C.
Protein change: p.Arg1606Pro; replaces arginine 1606 with proline.
Molecular consequence: missense variant.
Genome position (GRCh38, 1-based): chr15:84,868,155, G>C. VCF-style: chr15-84868155-G-C. GRCh37 (hg19) VCF-style: chr15-85411386-G-C.
Other names: short protein forms R1606P.
Identifiers: ClinVar variation 2113668 (VCV002113668.4), dbSNP rs2505733267, ClinGen allele CA393365616.